The following is an entry in ClinVar:

ClinVar aggregate classification (germline): Conflicting classifications of pathogenicity. Review status: criteria provided, conflicting classifications (1 of 4 stars). 2 submissions from 1 submitter: Uncertain significance (1); Likely benign (1). Last evaluated 2026-08-31.

Conditions:
Familial cancer of breast. Also called: BREAST CANCER, FAMILIAL; Hereditary breast cancer; hereditary breast carcinoma. Identifiers: Orphanet 227535, MedGen C0346153, MONDO:0016419, OMIM 114480. Disease mechanism: loss of function.
Breast-ovarian cancer, familial, susceptibility to, 2 (BROVCA2). Also called: BRCA2 Hereditary Breast and Ovarian Cancer. Identifiers: Orphanet 145, MedGen C2675520, MONDO:0012933, OMIM 612555. Disease mechanism: loss of function.

Submissions (2):

Institute of Human Genetics, University of Leipzig Medical Center
Classification: Likely benign for Breast-ovarian cancer, familial, susceptibility to, 2. Last evaluated: 2026-08-31. Review status: criteria provided, single submitter. Criteria: ACMG Guidelines, 2015. Collection method: clinical testing. Allele origin: unknown. Inheritance: Autosomal dominant inheritance. Affected: yes.
Comment: Criteria applied: PM2_SUP,BP1_STR

Institute of Human Genetics, University of Leipzig Medical Center
Classification: Uncertain significance for Familial cancer of breast. Last evaluated: 2023-04-03. Review status: criteria provided, single submitter. Criteria: ACMG Guidelines, 2015. Collection method: clinical testing. Allele origin: unknown. Affected: yes.
Comment: _x000D_ Criteria applied: PM2_SUP

NM_000059.4(BRCA2):c.9919A>G (p.Lys3307Glu)

Gene: BRCA2 (BRCA2 DNA repair associated; plus strand). Cytogenetic location: 13q13.1.
Variant type: single nucleotide variant.
Coding change: c.9919A>G on transcript NM_000059.4 (MANE Select); coding-DNA position 9919, A replaced by G.
Protein change: p.Lys3307Glu; replaces lysine 3307 with glutamic acid.
Molecular consequence: missense variant. On other transcripts: non-coding transcript variant (1).
Genome position (GRCh38, 1-based): chr13:32,398,432, A>G. VCF-style: chr13-32398432-A-G. GRCh37 (hg19) VCF-style: chr13-32972569-A-G.
Other names: c.9823A>G, p.Lys3275Glu (NM_001406719.1); c.9868A>G, p.Lys3290Glu (NM_001406720.1); c.4987A>G, p.Lys1663Glu (NM_001406721.1); c.3502A>G, p.Lys1168Glu (NM_001406722.1); short protein forms K1168E, K1663E, K3275E, K3290E, K3307E.
Identifiers: ClinVar variation 2502354 (VCV002502354.2), dbSNP rs1555290003, ClinGen allele CA387767052.